The following is an entry in ClinVar:

NM_080425.4(GNAS):c.666G>A (p.Glu222=)

Gene: GNAS (GNAS complex locus; plus strand). Cytogenetic location: 20q13.32.
Variant type: single nucleotide variant.
Coding change: c.666G>A on transcript NM_080425.4 (MANE Plus Clinical); coding-DNA position 666, G replaced by A.
Protein change: p.Glu222=; no amino-acid change (glutamic acid 222 retained).
Molecular consequence: synonymous variant. On other transcripts: missense variant (2), intron variant (3).
Genome position (GRCh38, 1-based): chr20:58,853,931, G>A. VCF-style: chr20-58853931-G-A. GRCh37 (hg19) VCF-style: chr20-57428986-G-A.
Other names: c.479G>A, p.Arg160Lys (NM_001077490.3, NM_001309883.1); c.666G>A, p.Glu222= (NM_001410913.1); c.*42+13045G>A (NM_016592.5); c.43+13045G>A (NM_001410912.1); c.-39+12056G>A (NM_001309861.2); short protein forms R160K.
Identifiers: ClinVar variation 4996740 (VCV004996740.1).

ClinVar aggregate classification (germline): Uncertain significance (1 of 4 stars; one submission).

Conditions:
GNAS-related disorder. Identifiers: MedGen CN380105.

gnomAD v4.1: 1 of 1,611,290 alleles (0.000062%); highest among the groups gnomAD compares: African/African-American, 0.0013%; no homozygotes.

Submission:

PreventionGenetics, part of Exact Sciences
Classification: Uncertain significance for GNAS-related condition. Last evaluated: 2025-12-23. Review status: criteria provided, single submitter. Criteria: ACMG Guidelines, 2015. Collection method: clinical testing. Allele origin: germline.
Comment: The GNAS c.479G>A variant is predicted to result in the amino acid substitution p.Arg160Lys. To our knowledge, this variant has not been reported in the literature. This variant is reported in 0.0068% of alleles in individuals of African descent in gnomAD. At this time, the clinical significance of this variant is uncertain due to the absence of conclusive functional and genetic evidence.